The following is an entry in ClinVar:

NM_000384.3(APOB):c.1150C>T (p.Gln384Ter)

Gene: APOB (apolipoprotein B; minus strand). Cytogenetic location: 2p24.1.
Variant type: single nucleotide variant.
Coding change: c.1150C>T on transcript NM_000384.3 (MANE Select); coding-DNA position 1150, C replaced by T.
Protein change: p.Gln384Ter; replaces glutamine 384 with a stop codon.
Molecular consequence: nonsense.
Genome position (GRCh38, 1-based): chr2:21,032,556, G>A on the plus strand (C>T on the coding strand, the complement: APOB is on the minus strand). VCF-style: chr2-21032556-G-A. GRCh37 (hg19) VCF-style: chr2-21255428-G-A.
Other names: short protein forms Q384*.
Identifiers: ClinVar variation 3903258 (VCV003903258.1).

ClinVar aggregate classification (germline): Likely pathogenic (1 of 4 stars; one submission).

Submission:

GeneDx
Classification: Likely pathogenic. Last evaluated: 2024-12-11. Review status: criteria provided, single submitter. Criteria: GeneDx Variant Classification Process June 2021. Collection method: clinical testing. Allele origin: germline. Affected: yes.
Comment: Nonsense variant predicted to result in protein truncation or nonsense mediated decay in a gene for which loss of function is a known mechanism of disease; Not observed at significant frequency in large population cohorts (gnomAD); Has not been previously published as pathogenic or benign to our knowledge; Also known as p.(Q357*)